The following is an entry in ClinVar:

ClinVar aggregate classification (germline): Uncertain significance (1 of 4 stars; one submission).

Allele frequency attached by ClinVar (database versions not stated): gnomAD exomes below 0.00001; TOPMed 0.00001.
gnomAD v4.1: 1 of 1,614,202 alleles (0.000062%); highest among the groups gnomAD compares: Non-Finnish European, 0.000085%; no homozygotes.

Submission:

Labcorp Genetics (formerly Invitae), Labcorp
Classification: Uncertain significance. Last evaluated: 2021-12-02. Review status: criteria provided, single submitter. Criteria: Invitae Variant Classification Sherloc (09022015). Collection method: clinical testing. Allele origin: germline.
Comment: This sequence change replaces proline, which is neutral and non-polar, with arginine, which is basic and polar, at codon 80 of the NDUFAF6 protein (p.Pro80Arg). This variant is not present in population databases (gnomAD no frequency). This variant has not been reported in the literature in individuals affected with NDUFAF6-related conditions. Algorithms developed to predict the effect of missense changes on protein structure and function are either unavailable or do not agree on the potential impact of this missense change (SIFT: "Tolerated"; PolyPhen-2: "Possibly Damaging"; Align-GVGD: "Class C0"). In summary, the available evidence is currently insufficient to determine the role of this variant in disease. Therefore, it has been classified as a Variant of Uncertain Significance.

NM_152416.4(NDUFAF6):c.239C>G (p.Pro80Arg)

Gene: NDUFAF6 (NADH:ubiquinone oxidoreductase complex assembly factor 6; plus strand). Cytogenetic location: 8q22.1.
Variant type: single nucleotide variant.
Coding change: c.239C>G on transcript NM_152416.4 (MANE Select); coding-DNA position 239, C replaced by G.
Protein change: p.Pro80Arg; replaces proline 80 with arginine.
Molecular consequence: missense variant. On other transcripts: 5 prime UTR variant (17), non-coding transcript variant (6), intron variant (1).
Genome position (GRCh38, 1-based): chr8:95,032,036, C>G. VCF-style: chr8-95032036-C-G. GRCh37 (hg19) VCF-style: chr8-96044264-C-G.
Other names: c.-42C>G (NM_001330582.2, NM_001354514.2, NM_001354515.2 and 1 more transcripts); c.83C>G, p.Pro28Arg (NM_001354516.2); c.-214C>G (NM_001354518.2); c.-210C>G (NM_001354519.2); c.-342C>G (NM_001354522.2, NM_001354529.2); c.-415C>G (NM_001354524.2, NM_001354525.2); c.-559C>G (NM_001354527.2); c.-530C>G (NM_001354528.2); and 6 more; short protein forms P80R, P28R.
Identifiers: ClinVar variation 1442813 (VCV001442813.8), dbSNP rs1828914859, ClinGen allele CA371744130.